The following is an entry in ClinVar:

NM_000719.7(CACNA1C):c.1686C>T (p.Ala562=)

Gene: CACNA1C (calcium voltage-gated channel subunit alpha1 C; plus strand). Cytogenetic location: 12p13.33.
Variant type: single nucleotide variant.
Coding change: c.1686C>T on transcript NM_000719.7 (MANE Select); coding-DNA position 1686, C replaced by T.
Protein change: p.Ala562=; no amino-acid change (alanine 562 retained).
Molecular consequence: synonymous variant.
Genome position (GRCh38, 1-based): chr12:2,567,585, C>T. VCF-style: chr12-2567585-C-T. GRCh37 (hg19) VCF-style: chr12-2676751-C-T.
Other names: c.1686C>T, p.Ala562= (NM_001129827.2, NM_001129829.2, NM_001129830.3 and 18 more transcripts); c.1677C>T, p.Ala559= (NM_001129844.2).
Identifiers: ClinVar variation 588714 (VCV000588714.15), dbSNP rs748256548, ClinGen allele CA6388843.

ClinVar aggregate classification (germline): Likely benign. Review status: criteria provided, multiple submitters, no conflicts (2 of 4 stars). 3 submissions from 3 submitters: Likely benign (3). Last evaluated 2025-12-01.

Conditions:
Cardiovascular phenotype. Identifiers: MedGen CN230736.
Long QT syndrome (LQTS). Identifiers: MedGen C0023976, MeSH D008133, MONDO:0002442. Disease mechanism: loss of function. Inheritance: Various modes of inheritance.

Allele frequency attached by ClinVar (database versions not stated): gnomAD exomes 0.00001; TOPMed 0.00002; ExAC 0.00005; gnomAD 0.00005 and 0.00006.
gnomAD v4.1: 15 of 1,590,760 alleles (0.00094%); highest among the groups gnomAD compares: African/African-American, 0.016%; no homozygotes.

Submissions (3):

Labcorp Genetics (formerly Invitae), Labcorp
Classification: Likely benign for Long QT syndrome. Last evaluated: 2025-12-01. Review status: criteria provided, single submitter. Criteria: Invitae Variant Classification Sherloc (09022015). Collection method: clinical testing. Allele origin: germline.

GeneDx
Classification: Likely benign. Last evaluated: 2018-03-23. Review status: criteria provided, single submitter. Criteria: GeneDx Variant Classification (06012015). Collection method: clinical testing. Allele origin: germline. Affected: yes.
Comment: This variant is considered likely benign or benign based on one or more of the following criteria: it is a conservative change, it occurs at a poorly conserved position in the protein, it is predicted to be benign by multiple in silico algorithms, and/or has population frequency not consistent with disease.

Ambry Genetics
Classification: Likely benign for Cardiovascular phenotype. Last evaluated: 2017-01-17. Review status: criteria provided, single submitter. Criteria: Ambry Variant Classification Scheme 2023. Collection method: clinical testing. Allele origin: germline.